The following is an entry in ClinVar:

ClinVar aggregate classification (germline): Uncertain significance (1 of 4 stars; one submission).

Submission:

GeneDx
Classification: Uncertain significance. Last evaluated: 2024-12-27. Review status: criteria provided, single submitter. Criteria: GeneDx Variant Classification Process June 2021. Collection method: clinical testing. Allele origin: germline. Affected: yes.
Comment: Not observed at significant frequency in large population cohorts (gnomAD); In silico analysis indicates that this missense variant does not alter protein structure/function; Has not been previously published as pathogenic or benign to our knowledge; Occurs in the triple helical domain at the X position in the canonical Gly-X-Y repeat; although this variant may have an effect on normal protein folding and function, missense substitution at the X position is not a common mechanism of disease (PMID: 22696272; HGMD); This variant is associated with the following publications: (PMID: 22696272)

NM_000093.5(COL5A1):c.4360T>G (p.Ser1454Ala)

Gene: COL5A1 (collagen type V alpha 1 chain; plus strand). Cytogenetic location: 9q34.3.
Variant type: single nucleotide variant.
Coding change: c.4360T>G on transcript NM_000093.5 (MANE Select); coding-DNA position 4360, T replaced by G.
Protein change: p.Ser1454Ala; replaces serine 1454 with alanine.
Molecular consequence: missense variant.
Genome position (GRCh38, 1-based): chr9:134,818,869, T>G. VCF-style: chr9-134818869-T-G. GRCh37 (hg19) VCF-style: chr9-137710715-T-G.
Other names: c.4360T>G, p.Ser1454Ala (NM_001278074.1); short protein forms S1454A.
Identifiers: ClinVar variation 3907799 (VCV003907799.1).
Genomic context (GRCh38, chr9:134,818,869, plus strand): 5'-GGGGACCAGCAACTCATGCAGAGCGTCTCTGTGTTTCAGGGAGAACAAGGTCTCCCAGGA[T>G]CCCCAGGCCCGGACGGTCCCCCCGGCCCCATGGTGAGTCACATTCCTCATGGTGAGCATA-3'
Protein context (NP_000084.3, residues 1444-1464): GPVGEQGLPG[Ser1454Ala]PGPDGPPGPM